The following is an entry in ClinVar:

ClinVar aggregate classification (germline): Benign/Likely benign. Review status: criteria provided, multiple submitters, no conflicts (2 of 4 stars). 3 submissions from 3 submitters: Benign (1); Likely benign (1). 1 of the submissions does not count toward it. Last evaluated 2024-10-04.

Conditions:
PLXND1-related disorder. Also called: PLXND1-related condition.

Allele frequency attached by ClinVar (database versions not stated): gnomAD 0.00018 and 0.00025; gnomAD exomes 0.00023 and 0.00083; TOPMed 0.00040; 1000 Genomes Project 30x 0.00125; ExAC 0.00133; 1000 Genomes Project 0.00140.
gnomAD v4.1: 383 of 1,598,588 alleles (0.024%); highest among the groups gnomAD compares: East Asian, 0.8%; no homozygotes.

Submissions (3):

Blueprint Genetics
Classification: Likely benign. Last evaluated: 2024-10-04. Review status: criteria provided, single submitter. Criteria: ACMG Guidelines, 2015. Collection method: clinical testing. Allele origin: germline.

Labcorp Genetics (formerly Invitae), Labcorp
Classification: Benign. Last evaluated: 2019-12-31. Review status: criteria provided, single submitter. Criteria: Invitae Variant Classification Sherloc (09022015). Collection method: clinical testing. Allele origin: germline.

PreventionGenetics, part of Exact Sciences
Classification: Benign for PLXND1-related condition. Last evaluated: 2020-10-27. Review status: no assertion criteria provided. Collection method: clinical testing. Allele origin: germline. Not counted in ClinVar's aggregate classification.
Comment: This variant is classified as benign based on ACMG/AMP sequence variant interpretation guidelines (Richards et al. 2015 PMID: 25741868, with internal and published modifications).

NM_015103.3(PLXND1):c.1511A>G (p.Gln504Arg)

Gene: PLXND1 (plexin D1; minus strand). Cytogenetic location: 3q22.1.
Variant type: single nucleotide variant.
Coding change: c.1511A>G on transcript NM_015103.3 (MANE Select); coding-DNA position 1511, A replaced by G.
Protein change: p.Gln504Arg; replaces glutamine 504 with arginine.
Molecular consequence: missense variant.
Genome position (GRCh38, 1-based): chr3:129,586,697, T>C on the plus strand (A>G on the coding strand, the complement: PLXND1 is on the minus strand). VCF-style: chr3-129586697-T-C. GRCh37 (hg19) VCF-style: chr3-129305540-T-C.
Other names: short protein forms Q504R.
Identifiers: ClinVar variation 726949 (VCV000726949.7), dbSNP rs182064884, ClinGen allele CA2609351.